The following is an entry in ClinVar:

ClinVar aggregate classification (germline): Uncertain significance (1 of 4 stars; one submission).

gnomAD v4.1: 2 of 1,612,856 alleles (0.00012%); highest among the groups gnomAD compares: African/African-American, 0.0013%; no homozygotes.

Submission:

Labcorp Genetics (formerly Invitae), Labcorp
Classification: Uncertain significance. Last evaluated: 2025-09-08. Review status: criteria provided, single submitter. Criteria: Invitae Variant Classification Sherloc (09022015). Collection method: clinical testing. Allele origin: germline.
Comment: This sequence change replaces leucine, which is neutral and non-polar, with proline, which is neutral and non-polar, at codon 516 of the NLRP1 protein (p.Leu516Pro). This variant is present in population databases (no rsID available, gnomAD 0.0009%). This variant has not been reported in the literature in individuals affected with NLRP1-related conditions. An algorithm developed to predict the effect of missense changes on protein structure and function (PolyPhen-2) suggests that this variant is likely to be disruptive. In summary, the available evidence is currently insufficient to determine the role of this variant in disease. Therefore, it has been classified as a Variant of Uncertain Significance.

NM_033004.4(NLRP1):c.1547T>C (p.Leu516Pro)

Gene: NLRP1 (NLR family pyrin domain containing 1; minus strand). Cytogenetic location: 17p13.2.
Variant type: single nucleotide variant.
Coding change: c.1547T>C on transcript NM_033004.4 (MANE Select); coding-DNA position 1547, T replaced by C.
Protein change: p.Leu516Pro; replaces leucine 516 with proline.
Molecular consequence: missense variant.
Genome position (GRCh38, 1-based): chr17:5,559,149, A>G on the plus strand (T>C on the coding strand, the complement: NLRP1 is on the minus strand). VCF-style: chr17-5559149-A-G. GRCh37 (hg19) VCF-style: chr17-5462469-A-G.
Other names: c.1547T>C, p.Leu516Pro (NM_001033053.3, NM_014922.5, NM_033006.4 and 1 more transcripts); short protein forms L516P.
Identifiers: ClinVar variation 4748368 (VCV004748368.1).
Genomic context (GRCh38, chr17:5,559,149, plus strand): 5'-CGCTTCATCTGCTGCATCAGGCAAGTGCAGGCCAGCCAGGACACCCAGGGCACAAGACAC[A>G]GGGCCCAGAGCTCTTTGTTTGATTTGACCAACCTAAAGGCTCTAATTGCTTGCCTTTCAT-3'
Protein context (NP_127497.1, residues 506-526): LVKSNKELWA[Leu516Pro]CLVPWVSWLA